The following is an entry in ClinVar:

ClinVar aggregate classification (germline): Uncertain significance (1 of 4 stars; one submission).

Conditions:
Inflammatory skin and bowel disease, neonatal, 1. Identifiers: Orphanet 294023, MedGen C3280501, MONDO:0013693, OMIM 614328.

Submission:

Labcorp Genetics (formerly Invitae), Labcorp
Classification: Uncertain significance for Inflammatory skin and bowel disease, neonatal, 1. Last evaluated: 2021-04-23. Review status: criteria provided, single submitter. Criteria: Invitae Variant Classification Sherloc (09022015). Collection method: clinical testing. Allele origin: germline.
Comment: This sequence change creates a premature translational stop signal (p.Arg816Serfs*3) in the ADAM17 gene. While this is not anticipated to result in nonsense mediated decay, it is expected to disrupt the last 9 amino acid(s) of the ADAM17 protein. This variant is not present in population databases (ExAC no frequency). This variant has not been reported in the literature in individuals with ADAM17-related conditions. Experimental studies and prediction algorithms are not available or were not evaluated, and the functional significance of this variant is currently unknown. In summary, the available evidence is currently insufficient to determine the role of this variant in disease. Therefore, it has been classified as a Variant of Uncertain Significance.

NM_003183.6(ADAM17):c.2445dup (p.Arg816fs)

Genes: ADAM17 (ADAM metallopeptidase domain 17; minus strand), IAH1 (isoamyl acetate hydrolyzing esterase 1 (putative); plus strand). Cytogenetic location: 2p25.1.
Variant type: Duplication.
Coding change: c.2445dup on transcript NM_003183.6 (MANE Select); coding-DNA position 2445, one base duplicated (T; older notation c.2445dupT).
Protein change: p.Arg816fs; shifts the reading frame from arginine 816.
Molecular consequence: frameshift variant.
Genome position (GRCh38, 1-based): chr2:9,490,207, A duplicated on the plus strand (T on the coding strand, the reverse complement: ADAM17 is on the minus strand). VCF-style (leftmost placement, unchanged base first): chr2-9490206-G-GA. GRCh37 (hg19) VCF-style: chr2-9630335-G-GA.
Other names: c.1785dup, p.Arg596fs (NM_001382777.1); c.1548dup, p.Arg517fs (NM_001382778.1); short protein forms R517fs, R596fs, R816fs.
Identifiers: ClinVar variation 1475279 (VCV001475279.8), dbSNP rs2124947599, ClinGen allele CA2573135847.